The following is an entry in ClinVar:

NM_001184.4(ATR):c.3888T>C (p.Asn1296=)

Gene: ATR (ATR checkpoint kinase; minus strand). Cytogenetic location: 3q23.
Variant type: single nucleotide variant.
Coding change: c.3888T>C on transcript NM_001184.4 (MANE Select); coding-DNA position 3888, T replaced by C.
Protein change: p.Asn1296=; no amino-acid change (asparagine 1296 retained).
Molecular consequence: synonymous variant.
Genome position (GRCh38, 1-based): chr3:142,535,137, A>G on the plus strand (T>C on the coding strand, the complement: ATR is on the minus strand). VCF-style: chr3-142535137-A-G. GRCh37 (hg19) VCF-style: chr3-142253979-A-G.
Other names: c.3696T>C, p.Asn1232= (NM_001354579.2).
Identifiers: ClinVar variation 1084080 (VCV001084080.43), dbSNP rs143268462, ClinGen allele CA2649972.
Genomic context (GRCh38, chr3:142,535,137, plus strand): 5'-TACCTGATTTTTATACAAGGTTTCCTTCAAGCTTGTAAGAGCATGAATACGAACATCGAC[A>G]TTTTCATGTTGAATGGCCTTCATAGAGAGCTGAAGAGTTGTCTGAAGATCAGTGCTCTCA-3'
Protein context (NP_001175.2, residues 1286-1306): QLSMKAIQHE[Asn1296=]VDVRIHALTS

ClinVar aggregate classification (germline): Likely benign. Review status: criteria provided, multiple submitters, no conflicts (2 of 4 stars). 7 submissions from 6 submitters: Likely benign (7). Last evaluated 2025-12-24.

Conditions:
ATR-related disorder. Also called: ATR-related condition.
Seckel syndrome 1 (SCKL1). Also called: MICROCEPHALIC PRIMORDIAL DWARFISM I. Identifiers: Orphanet 808, MedGen C4551474, MONDO:0008869, OMIM 210600.
Inborn genetic diseases. Identifiers: MedGen C0950123, MeSH D030342.
Familial cutaneous telangiectasia and oropharyngeal predisposition cancer syndrome. Identifiers: Orphanet 313846, MedGen C3281203, MONDO:0013806, OMIM 614564.

Allele frequency attached by ClinVar (database versions not stated): gnomAD 0.00015; gnomAD exomes 0.00015 and 0.00033; TOPMed 0.00015; ExAC 0.00016; ESP Exome Variant Server 0.00046.
gnomAD v4.1: 497 of 1,613,120 alleles (0.031%); highest among the groups gnomAD compares: Non-Finnish European, 0.04%; no homozygotes.

Submissions (7):

Labcorp Genetics (formerly Invitae), Labcorp
Classification: Likely benign. Last evaluated: 2025-12-24. Review status: criteria provided, single submitter. Criteria: Invitae Variant Classification Sherloc (09022015). Collection method: clinical testing. Allele origin: germline.

PreventionGenetics, part of Exact Sciences
Classification: Likely benign for ATR-related condition. Last evaluated: 2025-10-27. Review status: criteria provided, single submitter. Criteria: ACMG Guidelines, 2015. Collection method: clinical testing. Allele origin: germline.
Comment: This variant is classified as likely benign based on ACMG/AMP sequence variant interpretation guidelines (Richards et al. 2015 PMID: 25741868, with internal and published modifications).

Blueprint Genetics
Classification: Likely benign. Last evaluated: 2024-10-23. Review status: criteria provided, single submitter. Criteria: ACMG Guidelines, 2015. Collection method: clinical testing. Allele origin: germline.

Genome-Nilou Lab
Classification: Likely benign for Seckel syndrome 1. Last evaluated: 2023-02-08. Review status: criteria provided, single submitter. Criteria: ACMG Guidelines, 2015. Collection method: clinical testing. Allele origin: germline.

Genome-Nilou Lab
Classification: Likely benign for Familial cutaneous telangiectasia and oropharyngeal predisposition cancer syndrome. Last evaluated: 2023-02-08. Review status: criteria provided, single submitter. Criteria: ACMG Guidelines, 2015. Collection method: clinical testing. Allele origin: germline.

CeGaT Center for Human Genetics Tuebingen
Classification: Likely benign. Last evaluated: 2022-12-01. Review status: criteria provided, single submitter. Criteria: CeGaT Center For Human Genetics Tuebingen Variant Classification Criteria Version 2. Collection method: clinical testing. Allele origin: germline. Affected: yes. Observed: 3 variant alleles.
Comment: ATR: BP4, BP7

Ambry Genetics
Classification: Likely benign for Inborn genetic diseases. Last evaluated: 2022-02-14. Review status: criteria provided, single submitter. Criteria: Ambry Variant Classification Scheme 2023. Collection method: clinical testing. Allele origin: germline.